The following is an entry in ClinVar:

NM_000553.6(WRN):c.654+2T>C

Gene: WRN (WRN RecQ like helicase; plus strand). Cytogenetic location: 8p12.
Variant type: single nucleotide variant.
Coding change: c.654+2T>C on transcript NM_000553.6 (MANE Select); the canonical splice donor site of the intron after coding-DNA position 654, T replaced by C.
Molecular consequence: splice donor variant.
Genome position (GRCh38, 1-based): chr8:31,067,184, T>C. VCF-style: chr8-31067184-T-C. GRCh37 (hg19) VCF-style: chr8-30924700-T-C.
Identifiers: ClinVar variation 2429163 (VCV002429163.5), dbSNP rs2535887580, ClinGen allele CA370916459.

ClinVar aggregate classification (germline): Likely pathogenic. Review status: criteria provided, multiple submitters, no conflicts (2 of 4 stars). 2 submissions from 2 submitters: Likely pathogenic (2). Last evaluated 2023-10-25.

Conditions:
Werner syndrome (WRN). Identifiers: Orphanet 902, MedGen C0043119, MONDO:0010196, OMIM 277700.

Submissions (2):

Labcorp Genetics (formerly Invitae), Labcorp
Classification: Likely pathogenic for Werner syndrome. Last evaluated: 2023-10-25. Review status: criteria provided, single submitter. Criteria: Invitae Variant Classification Sherloc (09022015). Collection method: clinical testing. Allele origin: germline.
Comment: This sequence change affects a donor splice site in intron 6 of the WRN gene. It is expected to disrupt RNA splicing. Variants that disrupt the donor or acceptor splice site typically lead to a loss of protein function (PMID: 16199547), and loss-of-function variants in WRN are known to be pathogenic (PMID: 16673358). This variant is not present in population databases (gnomAD no frequency). This variant has not been reported in the literature in individuals affected with WRN-related conditions. ClinVar contains an entry for this variant (Variation ID: 2429163). Algorithms developed to predict the effect of sequence changes on RNA splicing suggest that this variant may disrupt the consensus splice site. In summary, the currently available evidence indicates that the variant is pathogenic, but additional data are needed to prove that conclusively. Therefore, this variant has been classified as Likely Pathogenic.

Women's Health and Genetics/Laboratory Corporation of America, LabCorp
Classification: Likely pathogenic for Werner syndrome. Last evaluated: 2023-01-17. Review status: criteria provided, single submitter. Criteria: LabCorp Variant Classification Summary - May 2015. Collection method: clinical testing. Allele origin: germline.
Comment: Variant summary: WRN c.654+2T>C is located in a canonical splice-site and is predicted to affect mRNA splicing resulting in a significantly altered protein due to either exon skipping, shortening, or inclusion of intronic material. Several computational tools predict a significant impact on normal splicing: two predict the variant abolishes a 5' splicing donor site. However, these predictions have yet to be confirmed by functional studies. The variant was absent in 250938 control chromosomes. To our knowledge, no occurrence of c.654+2T>C in individuals affected with Werner Syndrome and no experimental evidence demonstrating its impact on protein function have been reported. No clinical diagnostic laboratories have submitted clinical-significance assessments for this variant to ClinVar after 2014. Based on the evidence outlined above, the variant was classified as likely pathogenic.

Literature cited by the submitters: PubMed 16199547 (cited by Labcorp Genetics (formerly Invitae), Labcorp); PubMed 16673358 (cited by Labcorp Genetics (formerly Invitae), Labcorp).